The following is an entry in ClinVar:

ClinVar aggregate classification (germline): Uncertain significance (1 of 4 stars; one submission).

Allele frequency attached by ClinVar (database versions not stated): gnomAD 0.00003; gnomAD exomes 0.00003; TOPMed 0.00006; 1000 Genomes Project 30x 0.00016; ExAC 0.00017; 1000 Genomes Project 0.00020.
gnomAD v4.1: 49 of 1,614,016 alleles (0.003%); highest among the groups gnomAD compares: East Asian, 0.091%; no homozygotes.

Submission:

Labcorp Genetics (formerly Invitae), Labcorp
Classification: Uncertain significance. Last evaluated: 2025-02-27. Review status: criteria provided, single submitter. Criteria: Invitae Variant Classification Sherloc (09022015). Collection method: clinical testing. Allele origin: germline.
Comment: This sequence change replaces alanine, which is neutral and non-polar, with glycine, which is neutral and non-polar, at codon 1375 of the NLRP1 protein (p.Ala1375Gly). This variant is present in population databases (rs188604617, gnomAD 0.2%). This variant has not been reported in the literature in individuals affected with NLRP1-related conditions. ClinVar contains an entry for this variant (Variation ID: 2175078). An algorithm developed to predict the effect of missense changes on protein structure and function (PolyPhen-2) suggests that this variant is likely to be disruptive. In summary, the available evidence is currently insufficient to determine the role of this variant in disease. Therefore, it has been classified as a Variant of Uncertain Significance.

NM_033004.4(NLRP1):c.4124C>G (p.Ala1375Gly)

Gene: NLRP1 (NLR family pyrin domain containing 1; minus strand). Cytogenetic location: 17p13.2.
Variant type: single nucleotide variant.
Coding change: c.4124C>G on transcript NM_033004.4 (MANE Select); coding-DNA position 4124, C replaced by G.
Protein change: p.Ala1375Gly; replaces alanine 1375 with glycine.
Molecular consequence: missense variant. On other transcripts: intron variant (1).
Genome position (GRCh38, 1-based): chr17:5,515,052, G>C on the plus strand (C>G on the coding strand, the complement: NLRP1 is on the minus strand). VCF-style: chr17-5515052-G-C. GRCh37 (hg19) VCF-style: chr17-5418372-G-C.
Other names: c.3992C>G, p.Ala1331Gly (NM_014922.5); c.4034C>G, p.Ala1345Gly (NM_033006.4); c.3902C>G, p.Ala1301Gly (NM_033007.4); c.4069+2694C>G (NM_001033053.3); short protein forms A1331G, A1345G, A1301G, A1375G.
Identifiers: ClinVar variation 2175078 (VCV002175078.4), dbSNP rs188604617, ClinGen allele CA8326622.
Genomic context (GRCh38, chr17:5,515,052, plus strand): 5'-GATGTCACTCGGGCTATCAGCTGCTCTCGATACTGGTCCACAAAGTGCAGCAACTGCGGG[G>C]CATCCAGAGGTGAAGGTACGGCTGGCAACGAACAAAGAAGGGCTCCAACCACAGCCTCCA-3'
Protein context (NP_127497.1, residues 1365-1385): ARIAVPSPLD[Ala1375Gly]PQLLHFVDQY